The following is an entry in ClinVar:

ClinVar aggregate classification (germline): Uncertain significance. Review status: criteria provided, multiple submitters, no conflicts (2 of 4 stars). 3 submissions from 3 submitters: Uncertain significance (3). Last evaluated 2025-09-27.

Conditions:
Inborn genetic diseases. Identifiers: MedGen C0950123, MeSH D030342.

Allele frequency attached by ClinVar (database versions not stated): gnomAD 0.00001; gnomAD exomes 0.00001 and 0.00004; TOPMed 0.00002; ExAC 0.00003.
gnomAD v4.1: 16 of 1,613,292 alleles (0.00099%); highest among the groups gnomAD compares: Admixed American, 0.018%; no homozygotes.

Submissions (3):

Ambry Genetics
Classification: Uncertain significance for Inborn genetic diseases. Last evaluated: 2025-09-27. Review status: criteria provided, single submitter. Criteria: Ambry Variant Classification Scheme 2023. Collection method: clinical testing. Allele origin: germline.

Labcorp Genetics (formerly Invitae), Labcorp
Classification: Uncertain significance. Last evaluated: 2025-07-30. Review status: criteria provided, single submitter. Criteria: Invitae Variant Classification Sherloc (09022015). Collection method: clinical testing. Allele origin: germline.
Comment: This sequence change replaces glutamic acid, which is acidic and polar, with aspartic acid, which is acidic and polar, at codon 55 of the PDE6B protein (p.Glu55Asp). This variant is present in population databases (rs770318126, gnomAD 0.03%). This variant has not been reported in the literature in individuals affected with PDE6B-related conditions. ClinVar contains an entry for this variant (Variation ID: 944562). Invitae Evidence Modeling of protein sequence and biophysical properties (such as structural, functional, and spatial information, amino acid conservation, physicochemical variation, residue mobility, and thermodynamic stability) has been performed for this missense variant. However, the output from this modeling did not meet the statistical confidence thresholds required to predict the impact of this variant on PDE6B protein function. In summary, the available evidence is currently insufficient to determine the role of this variant in disease. Therefore, it has been classified as a Variant of Uncertain Significance.

Blueprint Genetics
Classification: Uncertain significance. Last evaluated: 2022-10-11. Review status: criteria provided, single submitter. Criteria: ACMG Guidelines, 2015. Collection method: clinical testing. Allele origin: germline.

NM_000283.4(PDE6B):c.165G>C (p.Glu55Asp)

Gene: PDE6B (phosphodiesterase 6B; plus strand). Cytogenetic location: 4p16.3.
Variant type: single nucleotide variant.
Coding change: c.165G>C on transcript NM_000283.4 (MANE Select); coding-DNA position 165, G replaced by C.
Protein change: p.Glu55Asp; replaces glutamic acid 55 with aspartic acid.
Molecular consequence: missense variant.
Genome position (GRCh38, 1-based): chr4:625,791, G>C. VCF-style: chr4-625791-G-C. GRCh37 (hg19) VCF-style: chr4-619580-G-C.
Other names: c.165G>C, p.Glu55Asp (NM_001145291.2); short protein forms E55D.
Identifiers: ClinVar variation 944562 (VCV000944562.9), dbSNP rs770318126, ClinGen allele CA2793859.